The following is an entry in ClinVar:

ClinVar aggregate classification (germline): Benign. Review status: criteria provided, multiple submitters, no conflicts (2 of 4 stars). 10 submissions from 9 submitters: Benign (7). 3 of the submissions do not count toward it. Last evaluated 2026-02-04.

Conditions:
Retinal dystrophy. Also called: Inherited retinal dystrophy. Identifiers: Orphanet 71862, MedGen C0854723, MeSH D058499, MONDO:0019118, HP:0000556.
Retinitis pigmentosa (RP). Identifiers: Orphanet 791, MedGen C0035334, MeSH D012174, MONDO:0019200, OMIM 268000. Inheritance: Autosomal dominant, autosomal recessive and X linked inheritance.
Leber congenital amaurosis 3 (LCA3). Also called: SPATA7-Related Retinitis Pigmentosa. Identifiers: MedGen C1858677, MONDO:0011415, OMIM 604232.

Allele frequency attached by ClinVar (database versions not stated): 1000 Genomes Project 30x 0.19019; TOPMed 0.27602; ESP Exome Variant Server 0.29470; gnomAD exomes 0.32894; 1000 Genomes Project 0.18990; gnomAD 0.30602 and 0.30943; ExAC 0.37373.
gnomAD v4.1: 611,849 of 1,604,026 alleles (38%); highest among the groups gnomAD compares: Middle Eastern, 44%; 126,073 homozygotes.

Submissions (10):

Labcorp Genetics (formerly Invitae), Labcorp
Classification: Benign for Leber congenital amaurosis 3. Last evaluated: 2026-02-04. Review status: criteria provided, single submitter. Criteria: Invitae Variant Classification Sherloc (09022015). Collection method: clinical testing. Allele origin: germline.

Blueprint Genetics
Classification: Benign. Last evaluated: 2024-11-28. Review status: criteria provided, single submitter. Criteria: ACMG Guidelines, 2015. Collection method: clinical testing. Allele origin: germline.

Dept Of Ophthalmology, Nagoya University
Classification: Benign for Retinal dystrophy. Last evaluated: 2023-10-01. Review status: criteria provided, single submitter. Criteria: Submitter's publication. Collection method: research. Allele origin: germline. Affected: yes.

Illumina Laboratory Services, Illumina
Classification: Benign for Retinitis pigmentosa. Last evaluated: 2018-01-13. Review status: criteria provided, single submitter. Criteria: ICSL Variant Classification Criteria 13 December 2019. Collection method: clinical testing. Allele origin: germline.
Comment: This variant was observed in the ICSL laboratory as part of a predisposition screen in an ostensibly healthy population. It had not been previously curated by ICSL or reported in the Human Gene Mutation Database (HGMD: prior to June 1st, 2018), and was therefore a candidate for classification through an automated scoring system. Utilizing variant allele frequency, disease prevalence and penetrance estimates, and inheritance mode, an automated score was calculated to assess if this variant is too frequent to cause the disease. Based on the score and internal cut-off values, a variant classified as benign is not then subjected to further curation. The score for this variant resulted in a classification of benign for this disease.

Illumina Laboratory Services, Illumina
Classification: Benign for Leber congenital amaurosis 3. Last evaluated: 2018-01-13. Review status: criteria provided, single submitter. Criteria: ICSL Variant Classification Criteria 13 December 2019. Collection method: clinical testing. Allele origin: germline.
Comment: the same text as in the submission from Illumina Laboratory Services, Illumina above.

Eurofins Ntd Llc (ga)
Classification: Benign. Last evaluated: 2013-08-20. Review status: criteria provided, single submitter. Criteria: EGL Classification Definitions 2015. Collection method: clinical testing. Allele origin: germline. Observed: 3 variant alleles, 2 heterozygotes, 1 homozygote.

Breakthrough Genomics
Classification: Benign. Review status: criteria provided, single submitter. Criteria: ACMG Guidelines, 2015. Collection method: not provided. Allele origin: germline. Inheritance: Autosomal recessive inheritance. Affected: yes.

Clinical Genetics DNA and cytogenetics Diagnostics Lab, Erasmus MC, Erasmus Medical Center
Classification: Benign. Review status: no assertion criteria provided. Collection method: clinical testing. Allele origin: germline. Affected: yes. Study: VKGL Data-share Consensus. Not counted in ClinVar's aggregate classification.

Diagnostic Laboratory, Department of Genetics, University Medical Center Groningen
Classification: Benign. Review status: no assertion criteria provided. Collection method: clinical testing. Allele origin: germline. Affected: yes. Study: VKGL Data-share Consensus. Not counted in ClinVar's aggregate classification.

Joint Genome Diagnostic Labs from Nijmegen and Maastricht, Radboudumc and MUMC+
Classification: Benign. Review status: no assertion criteria provided. Collection method: clinical testing. Allele origin: germline. Affected: yes. Study: VKGL Data-share Consensus. Not counted in ClinVar's aggregate classification.

NM_018418.5(SPATA7):c.4G>A (p.Asp2Asn)

Genes: SPATA7 (spermatogenesis associated 7; plus strand), LOC130056226 (ATAC-STARR-seq lymphoblastoid active region 8840; plus strand). Cytogenetic location: 14q31.3.
Variant type: single nucleotide variant.
Coding change: c.4G>A on transcript NM_018418.5 (MANE Select); coding-DNA position 4, G replaced by A.
Protein change: p.Asp2Asn; replaces aspartic acid 2 with asparagine.
Molecular consequence: missense variant.
Genome position (GRCh38, 1-based): chr14:88,385,822, G>A. VCF-style: chr14-88385822-G-A. GRCh37 (hg19) VCF-style: chr14-88852166-G-A.
Other names: c.4G>A, p.Asp2Asn (NM_001040428.4); short protein forms D2N.
Identifiers: ClinVar variation 95907 (VCV000095907.27), dbSNP rs4904448, ClinGen allele CA149024.